The following is an entry in ClinVar:

NM_001042492.3(NF1):c.2913dup (p.Leu972fs)

Gene: NF1 (neurofibromin 1; plus strand). Cytogenetic location: 17q11.2.
Variant type: Duplication.
Coding change: c.2913dup on transcript NM_001042492.3 (MANE Select); coding-DNA position 2913, one base duplicated (G; older notation c.2913dupG).
Protein change: p.Leu972fs; shifts the reading frame from leucine 972.
Molecular consequence: frameshift variant.
Genome position (GRCh38, 1-based): chr17:31,229,897, G duplicated. VCF-style (leftmost placement, unchanged base first): chr17-31229896-T-TG. GRCh37 (hg19) VCF-style: chr17-29556914-T-TG.
Other names: c.2913dup, p.Leu972Alafs (NM_000267.4); short protein forms L972fs.
Identifiers: ClinVar variation 1396598 (VCV001396598.6), dbSNP rs2151430647, ClinGen allele CA2573153324.

ClinVar aggregate classification (germline): Pathogenic (1 of 4 stars; one submission).

Conditions:
Neurofibromatosis, type 1 (NF1). Also called: VON RECKLINGHAUSEN DISEASE; Neurofibromatosis, type I; NEUROFIBROMATOSIS, TYPE I, SOMATIC; Peripheral type neurofibromatosis. Identifiers: Orphanet 636, MedGen C0027831, MONDO:0018975, OMIM 162200. Disease mechanism: loss of function.

Submission:

Labcorp Genetics (formerly Invitae), Labcorp
Classification: Pathogenic for Neurofibromatosis, type 1. Last evaluated: 2021-02-13. Review status: criteria provided, single submitter. Criteria: Invitae Variant Classification Sherloc (09022015). Collection method: clinical testing. Allele origin: germline.
Comment: For these reasons, this variant has been classified as Pathogenic. This variant has not been reported in the literature in individuals with NF1-related conditions. This variant is not present in population databases (ExAC no frequency). This sequence change creates a premature translational stop signal (p.Leu972Alafs*3) in the NF1 gene. It is expected to result in an absent or disrupted protein product. Loss-of-function variants in NF1 are known to be pathogenic (PMID: 10712197, 23913538).

Literature cited by the submitters: PubMed 10712197; PubMed 23913538.